The following is an entry in ClinVar:

NM_144643.4(SCLT1):c.973G>A (p.Glu325Lys)

Gene: SCLT1 (sodium channel and clathrin linker 1; minus strand). Cytogenetic location: 4q28.2.
Variant type: single nucleotide variant.
Coding change: c.973G>A on transcript NM_144643.4 (MANE Select); coding-DNA position 973, G replaced by A.
Protein change: p.Glu325Lys; replaces glutamic acid 325 with lysine.
Molecular consequence: missense variant.
Genome position (GRCh38, 1-based): chr4:128,959,674, C>T on the plus strand (G>A on the coding strand, the complement: SCLT1 is on the minus strand). VCF-style: chr4-128959674-C-T. GRCh37 (hg19) VCF-style: chr4-129880829-C-T.
Other names: c.973G>A, p.Glu325Lys (NM_001410807.1); short protein forms E325K.
Identifiers: ClinVar variation 4985119 (VCV004985119.1).

ClinVar aggregate classification (germline): Uncertain significance (1 of 4 stars; one submission).

Conditions:
SCLT1-related disorder. Also called: SCLT1-related condition.

gnomAD v4.1: 2 of 1,613,518 alleles (0.00012%); highest among the groups gnomAD compares: Non-Finnish European, 0.00017%; no homozygotes.

Submission:

PreventionGenetics, part of Exact Sciences
Classification: Uncertain significance for SCLT1-related condition. Last evaluated: 2025-10-21. Review status: criteria provided, single submitter. Criteria: ACMG Guidelines, 2015. Collection method: clinical testing. Allele origin: germline.
Comment: The SCLT1 c.973G>A variant is predicted to result in the amino acid substitution p.Glu325Lys. To our knowledge, this variant has not been reported in the literature or in a large population database (gnomAD), indicating this variant is rare. At this time, the clinical significance of this variant is uncertain due to the absence of conclusive functional and genetic evidence.